The following is an entry in ClinVar:

NM_001164508.2(NEB):c.20367+13T>G

Gene: NEB (nebulin; minus strand). Cytogenetic location: 2q23.3.
Variant type: single nucleotide variant.
Coding change: c.20367+13T>G on transcript NM_001164508.2 (MANE Select); 13 bases into the intron after coding-DNA position 20367, T replaced by G.
Molecular consequence: intron variant.
Genome position (GRCh38, 1-based): chr2:151,547,416, A>C on the plus strand (T>G on the coding strand, the complement: NEB is on the minus strand). VCF-style: chr2-151547416-A-C. GRCh37 (hg19) VCF-style: chr2-152403930-A-C.
Other names: c.15264+13T>G (NM_004543.5); c.20367+13T>G (NM_001164507.2, NM_001271208.2).
Identifiers: ClinVar variation 2041217 (VCV002041217.1), dbSNP rs1261693346, ClinGen allele CA537029988.
Genomic context (GRCh38, chr2:151,547,416, plus strand): 5'-GTTGTTTTAACTGCTGAAAGCAAGCCTGCGTCTTGGTAAGACTACTCCAGAAAGACCCCT[A>C]CGAGATGCTTACATCACTGGTGATGTCTCCCACATAGCGGCAATGGATCACTTGGGGTGT-3'

ClinVar aggregate classification (germline): Uncertain significance (1 of 4 stars; one submission).

Conditions:
Nemaline myopathy 2 (NEM2). Also called: Nemaline myopathy 2, autosomal recessive. Identifiers: MedGen C1850569, MONDO:0009725, OMIM 256030.

Allele frequency attached by ClinVar (database versions not stated): gnomAD exomes below 0.00001; TOPMed 0.00001.
gnomAD v4.1: 1 of 1,570,690 alleles (0.000064%); highest among the groups gnomAD compares: Admixed American, 0.0018%; no homozygotes.

Submission:

Labcorp Genetics (formerly Invitae), Labcorp
Classification: Uncertain significance for Nemaline myopathy 2. Last evaluated: 2022-04-10. Review status: criteria provided, single submitter. Criteria: Invitae Variant Classification Sherloc (09022015). Collection method: clinical testing. Allele origin: germline.
Comment: This sequence change falls in intron 133 of the NEB gene. It does not directly change the encoded amino acid sequence of the NEB protein. This variant is present in population databases (no rsID available, gnomAD 0.004%). This variant has not been reported in the literature in individuals affected with NEB-related conditions. Algorithms developed to predict the effect of sequence changes on RNA splicing suggest that this variant may create or strengthen a splice site. In summary, the available evidence is currently insufficient to determine the role of this variant in disease. Therefore, it has been classified as a Variant of Uncertain Significance.